The following is an entry in ClinVar:

ClinVar aggregate classification (germline): Uncertain significance. Review status: criteria provided, multiple submitters, no conflicts (2 of 4 stars). 6 submissions from 6 submitters: Uncertain significance (6). Last evaluated 2024-07-04.

Conditions:
Arrhythmogenic right ventricular dysplasia 10. Also called: Arrhythmogenic Right Ventricular Dysplasia/Cardiomyopathy10; Arrhythmogenic right ventricular dysplasia/cardiomyopathy, type 10; ARRHYTHMOGENIC RIGHT VENTRICULAR DYSPLASIA, FAMILIAL, 10. Identifiers: MedGen C1857777, MONDO:0012434, OMIM 610193.
Cardiovascular phenotype. Identifiers: MedGen CN230736.
Arrhythmogenic right ventricular cardiomyopathy (ARVD). Also called: Arrhythmogenic right ventricular dysplasia; Arrhythmogenic cardiomyopathy; Arrhythmogenic Right Ventricular Cardiomyopathy (ARVC); Cardiomyopathy, ARVC. Identifiers: Orphanet 247, MedGen C0349788, MeSH D019571, MONDO:0016587. Disease mechanism: loss of function. Inheritance: Various modes of inheritance.
Cardiomyopathy (CMYO). Also called: Cardiomyopathies. Identifiers: Orphanet 167848, MedGen C0878544, MONDO:0004994, HP:0001638. Inheritance: Various modes of inheritance.

gnomAD v4.1: 4 of 1,614,090 alleles (0.00025%); highest among the groups gnomAD compares: African/African-American, 0.0013%; no homozygotes.

Submissions (6):

Blueprint Genetics
Classification: Uncertain significance. Last evaluated: 2024-07-04. Review status: criteria provided, single submitter. Criteria: ACMG Guidelines, 2015. Collection method: clinical testing. Allele origin: germline.

All of Us Research Program, National Institutes of Health
Classification: Uncertain significance for Arrhythmogenic right ventricular cardiomyopathy. Last evaluated: 2024-05-14. Review status: criteria provided, single submitter. Criteria: ACMG Guidelines, 2015. Collection method: clinical testing. Allele origin: germline. Inheritance: Autosomal dominant inheritance. Observed: 3 variant alleles, 3 heterozygotes.
Comment: This missense variant replaces serine with arginine at codon 391 of the DSG2 protein. Computational prediction suggests that this variant may not impact protein structure and function (internally defined REVEL score threshold <= 0.5, PMID: 27666373). To our knowledge, functional studies have not been reported for this variant. This variant has been reported in an individual affected with left ventricular non-compaction (PMID: 30471092). This variant has not been identified in the general population by the Genome Aggregation Database (gnomAD). The available evidence is insufficient to determine the role of this variant in disease conclusively. Therefore, this variant is classified as a Variant of Uncertain Significance.

This study involves interpretation of variants in research participants for the purpose of population health screening. Participant phenotype was not available at the time of variant classification. Additional details can be found in publication PMID: 35346344, PMCID: PMC8962531

Labcorp Genetics (formerly Invitae), Labcorp
Classification: Uncertain significance for Arrhythmogenic right ventricular dysplasia 10. Last evaluated: 2023-07-07. Review status: criteria provided, single submitter. Criteria: Invitae Variant Classification Sherloc (09022015). Collection method: clinical testing. Allele origin: germline.
Comment: ClinVar contains an entry for this variant (Variation ID: 499401). Advanced modeling of protein sequence and biophysical properties (such as structural, functional, and spatial information, amino acid conservation, physicochemical variation, residue mobility, and thermodynamic stability) performed at Invitae indicates that this missense variant is not expected to disrupt DSG2 protein function. In summary, the available evidence is currently insufficient to determine the role of this variant in disease. Therefore, it has been classified as a Variant of Uncertain Significance. This variant has not been reported in the literature in individuals affected with DSG2-related conditions. This sequence change replaces serine, which is neutral and polar, with arginine, which is basic and polar, at codon 391 of the DSG2 protein (p.Ser391Arg). This variant is not present in population databases (gnomAD no frequency).

Color Diagnostics, LLC DBA Color Health
Classification: Uncertain significance for Cardiomyopathy. Last evaluated: 2023-06-01. Review status: criteria provided, single submitter. Criteria: ACMG Guidelines, 2015. Collection method: clinical testing. Allele origin: germline.
Comment: This missense variant replaces serine with arginine at codon 391 of the DSG2 protein. Computational prediction suggests that this variant may not impact protein structure and function (internally defined REVEL score threshold <= 0.5, PMID: 27666373). To our knowledge, functional studies have not been reported for this variant. This variant has been reported in an individual affected with left ventricular non-compaction (PMID: 30471092). This variant has not been identified in the general population by the Genome Aggregation Database (gnomAD). The available evidence is insufficient to determine the role of this variant in disease conclusively. Therefore, this variant is classified as a Variant of Uncertain Significance.

Ambry Genetics
Classification: Uncertain significance for Cardiovascular phenotype. Last evaluated: 2022-10-24. Review status: criteria provided, single submitter. Criteria: Ambry Variant Classification Scheme 2023. Collection method: clinical testing. Allele origin: germline.
Comment: The p.S391R variant (also known as c.1173C>A), located in coding exon 9 of the DSG2 gene, results from a C to A substitution at nucleotide position 1173. The serine at codon 391 is replaced by arginine, an amino acid with dissimilar properties. This alteration has been reported in a left ventricular non-compaction (LVNC) cohort; however, clinical details were limited (Richard P et al. Clin Genet, 2019 03;95:356-367). This amino acid position is poorly conserved in available vertebrate species. In addition, this alteration is predicted to be tolerated by in silico analysis. Since supporting evidence is limited at this time, the clinical significance of this alteration remains unclear.

Eurofins Ntd Llc (ga)
Classification: Uncertain significance. Last evaluated: 2017-01-13. Review status: criteria provided, single submitter. Criteria: EGL Classification Definitions 2015. Collection method: clinical testing. Allele origin: germline. Observed: 1 variant allele, 1 heterozygote.

Literature cited by the submitters: PubMed 30471092 (cited by 3 submitters).

NM_001943.5(DSG2):c.1173C>A (p.Ser391Arg)

Gene: DSG2 (desmoglein 2; plus strand). Cytogenetic location: 18q12.1.
Variant type: single nucleotide variant.
Coding change: c.1173C>A on transcript NM_001943.5 (MANE Select); coding-DNA position 1173, C replaced by A.
Protein change: p.Ser391Arg; replaces serine 391 with arginine.
Molecular consequence: missense variant.
Genome position (GRCh38, 1-based): chr18:31,531,145, C>A. VCF-style: chr18-31531145-C-A. GRCh37 (hg19) VCF-style: chr18-29111108-C-A.
Other names: short protein forms S391R.
Identifiers: ClinVar variation 499401 (VCV000499401.22), dbSNP rs763242004, ClinGen allele CA402139010.